The following is an entry in ClinVar:

NM_018136.5(ASPM):c.1602_1605del (p.Asn534fs)

Gene: ASPM (assembly factor for spindle microtubules; minus strand). Cytogenetic location: 1q31.3.
Variant type: Deletion.
Coding change: c.1602_1605del on transcript NM_018136.5 (MANE Select); coding-DNA positions 1602 to 1605, 4 bases deleted (TCAA; older notation c.1602_1605delTCAA).
Protein change: p.Asn534fs; shifts the reading frame from asparagine 534.
Molecular consequence: frameshift variant.
Genome position (GRCh38, 1-based): chr1:197,142,647-197,142,650, TTGA deleted on the plus strand (TCAA on the coding strand, the reverse complement: ASPM is on the minus strand); deleting any 4 consecutive bases within chr1:197,142,647-197,142,652 gives the same sequence; the c. name uses the placement nearest the transcript's 3' end. VCF-style (leftmost placement, unchanged base first): chr1-197142646-TTTGA-T. GRCh37 (hg19) VCF-style: chr1-197111776-TTTGA-T.
Other names: c.1602_1605del, p.Asn534fs (NM_001206846.2); short protein forms N534fs.
Identifiers: ClinVar variation 4763753 (VCV004763753.1).

ClinVar aggregate classification (germline): Pathogenic (1 of 4 stars; one submission).

Submission:

Labcorp Genetics (formerly Invitae), Labcorp
Classification: Pathogenic. Last evaluated: 2025-02-13. Review status: criteria provided, single submitter. Criteria: Invitae Variant Classification Sherloc (09022015). Collection method: clinical testing. Allele origin: germline.
Comment: This sequence change creates a premature translational stop signal (p.Asn534Lysfs*14) in the ASPM gene. It is expected to result in an absent or disrupted protein product. Loss-of-function variants in ASPM are known to be pathogenic (PMID: 19028728, 23611254). This variant is not present in population databases (gnomAD no frequency). This premature translational stop signal has been observed in individual(s) with primary microcephaly (PMID: 32677750). For these reasons, this variant has been classified as Pathogenic.

Literature cited by the submitters: PubMed 19028728; PubMed 23611254; PubMed 32677750.